The following is an entry in ClinVar:

NM_000312.4(PROC):c.596G>A (p.Arg199Gln)

Gene: PROC (protein C, inactivator of coagulation factors Va and VIIIa; plus strand). Cytogenetic location: 2q14.3.
Variant type: single nucleotide variant.
Coding change: c.596G>A on transcript NM_000312.4 (MANE Select); coding-DNA position 596, G replaced by A.
Protein change: p.Arg199Gln; replaces arginine 199 with glutamine.
Molecular consequence: missense variant.
Genome position (GRCh38, 1-based): chr2:127,426,145, G>A. VCF-style: chr2-127426145-G-A. GRCh37 (hg19) VCF-style: chr2-128183721-G-A.
Other names: c.779G>A, p.Arg260Gln (NM_001375602.1); c.761G>A, p.Arg254Gln (NM_001375603.1); c.659G>A, p.Arg220Gln (NM_001375604.1); c.698G>A, p.Arg233Gln (NM_001375605.1); c.764G>A, p.Arg255Gln (NM_001375606.1); c.782G>A, p.Arg261Gln (NM_001375607.1); c.539G>A, p.Arg180Gln (NM_001375608.1); c.572G>A, p.Arg191Gln (NM_001375609.1); and 2 more; short protein forms R199Q, R180Q, R191Q, R197Q, R220Q, R233Q, R254Q, R255Q.
Identifiers: ClinVar variation 469123 (VCV000469123.6), dbSNP rs773327173, ClinGen allele CA1859396.

ClinVar aggregate classification (germline): Uncertain significance (1 of 4 stars; one submission).

Conditions:
Thrombophilia due to protein C deficiency, autosomal dominant. Also called: PROC DEFICIENCY, AUTOSOMAL DOMINANT; PROTEIN C DEFICIENCY, AUTOSOMAL DOMINANT. Identifiers: Orphanet 745, MedGen C2674321, MONDO:0008316, OMIM 176860. Disease mechanism: loss of function.

Allele frequency attached by ClinVar (database versions not stated): ExAC 0.00001; gnomAD exomes 0.00002.
gnomAD v4.1: 21 of 1,614,126 alleles (0.0013%); highest among the groups gnomAD compares: South Asian, 0.0044%; no homozygotes.

Submission:

Labcorp Genetics (formerly Invitae), Labcorp
Classification: Uncertain significance for Thrombophilia due to protein C deficiency, autosomal dominant. Last evaluated: 2021-09-01. Review status: criteria provided, single submitter. Criteria: Invitae Variant Classification Sherloc (09022015). Collection method: clinical testing. Allele origin: germline.
Comment: This sequence change replaces arginine with glutamine at codon 199 of the PROC protein (p.Arg199Gln). The arginine residue is moderately conserved and there is a small physicochemical difference between arginine and glutamine. This variant is present in population databases (rs773327173, ExAC 0.002%). This variant has not been reported in the literature in individuals affected with PROC-related conditions. Algorithms developed to predict the effect of missense changes on protein structure and function are either unavailable or do not agree on the potential impact of this missense change (SIFT: "Deleterious"; PolyPhen-2: "Possibly Damaging"; Align-GVGD: "Class C0"). In summary, the available evidence is currently insufficient to determine the role of this variant in disease. Therefore, it has been classified as a Variant of Uncertain Significance.